The following is an entry in ClinVar:

ClinVar aggregate classification (germline): Uncertain significance. Review status: criteria provided, multiple submitters, no conflicts (2 of 4 stars). 2 submissions from 2 submitters: Uncertain significance (2). Last evaluated 2026-07-01.

Conditions:
PKD1L1-related disorder. Also called: PKD1L1-related condition.

Allele frequency attached by ClinVar (database versions not stated): ESP Exome Variant Server 0.00015; gnomAD 0.00015; ExAC 0.00019; gnomAD exomes 0.00019; TOPMed 0.00039.
gnomAD v4.1: 315 of 1,610,262 alleles (0.02%); highest among the groups gnomAD compares: Non-Finnish European, 0.024%; no homozygotes.

Submissions (2):

PreventionGenetics, part of Exact Sciences
Classification: Uncertain significance for PKD1L1-related condition. Last evaluated: 2026-07-01. Review status: criteria provided, single submitter. Criteria: ACMG Guidelines, 2015. Collection method: clinical testing. Allele origin: germline.
Comment: The PKD1L1 c.6338-3C>T variant is predicted to interfere with splicing. To our knowledge, this variant has not been reported in the literature. This variant is reported in 0.035% of alleles in individuals of European (Non-Finnish) descent in gnomAD. This variant is predicted to alter splicing based on available splicing prediction programs (SpliceAI, Jaganathan et al. 2019. PubMed ID: 30661751). At this time, the clinical significance of this variant is uncertain due to the absence of conclusive functional and genetic evidence.

Labcorp Genetics (formerly Invitae), Labcorp
Classification: Uncertain significance. Last evaluated: 2022-05-18. Review status: criteria provided, single submitter. Criteria: Invitae Variant Classification Sherloc (09022015). Collection method: clinical testing. Allele origin: germline.
Comment: In summary, the available evidence is currently insufficient to determine the role of this variant in disease. Therefore, it has been classified as a Variant of Uncertain Significance. Variants that disrupt the consensus splice site are a relatively common cause of aberrant splicing (PMID: 17576681, 9536098). Algorithms developed to predict the effect of sequence changes on RNA splicing suggest that this variant may disrupt the consensus splice site. This variant has not been reported in the literature in individuals affected with PKD1L1-related conditions. This variant is present in population databases (rs368979944, gnomAD 0.03%). This sequence change falls in intron 41 of the PKD1L1 gene. It does not directly change the encoded amino acid sequence of the PKD1L1 protein. It affects a nucleotide within the consensus splice site.

Literature cited by the submitters: PubMed 17576681 (cited by Labcorp Genetics (formerly Invitae), Labcorp); PubMed 9536098 (cited by Labcorp Genetics (formerly Invitae), Labcorp).

NM_138295.5(PKD1L1):c.6338-3C>T

Gene: PKD1L1 (polycystin 1 like 1, transient receptor potential channel interacting; minus strand). Cytogenetic location: 7p12.3.
Variant type: single nucleotide variant.
Coding change: c.6338-3C>T on transcript NM_138295.5 (MANE Select); 3 bases into the intron before coding-DNA position 6338, C replaced by T.
Molecular consequence: intron variant.
Genome position (GRCh38, 1-based): chr7:47,831,355, G>A on the plus strand (C>T on the coding strand, the complement: PKD1L1 is on the minus strand). VCF-style: chr7-47831355-G-A. GRCh37 (hg19) VCF-style: chr7-47870953-G-A.
Other names: c.6338-3C>T (NM_138295.3).
Identifiers: ClinVar variation 2044996 (VCV002044996.4), dbSNP rs368979944, ClinGen allele CA4252481.